The following is an entry in ClinVar:

ClinVar aggregate classification (germline): Uncertain significance (1 of 4 stars; one submission).

Conditions:
Noonan syndrome (NS). Also called: Noonan's syndrome. Identifiers: Orphanet 648, MedGen C0028326, MeSH D009634, MONDO:0018997. Disease mechanism: gain of function.

Submission:

Labcorp Genetics (formerly Invitae), Labcorp
Classification: Uncertain significance for Noonan syndrome. Last evaluated: 2026-01-25. Review status: criteria provided, single submitter. Criteria: Invitae Variant Classification Sherloc (09022015). Collection method: clinical testing. Allele origin: germline.
Comment: This sequence change replaces tyrosine, which is neutral and polar, with cysteine, which is neutral and slightly polar, at codon 168 of the RRAS protein (p.Tyr168Cys). This variant is not present in population databases (gnomAD no frequency). This variant has not been reported in the literature in individuals affected with RRAS-related conditions. An algorithm developed to predict the effect of missense changes on protein structure and function (PolyPhen-2) suggests that this variant is likely to be disruptive. In summary, the available evidence is currently insufficient to determine the role of this variant in disease. Therefore, it has been classified as a Variant of Uncertain Significance.

NM_006270.5(RRAS):c.503A>G (p.Tyr168Cys)

Gene: RRAS (RAS related; minus strand). Cytogenetic location: 19q13.33.
Variant type: single nucleotide variant.
Coding change: c.503A>G on transcript NM_006270.5 (MANE Select); coding-DNA position 503, A replaced by G.
Protein change: p.Tyr168Cys; replaces tyrosine 168 with cysteine.
Molecular consequence: missense variant.
Genome position (GRCh38, 1-based): chr19:49,635,803, T>C on the plus strand (A>G on the coding strand, the complement: RRAS is on the minus strand). VCF-style: chr19-49635803-T-C. GRCh37 (hg19) VCF-style: chr19-50139060-T-C.
Other names: short protein forms Y168C.
Identifiers: ClinVar variation 4804347 (VCV004804347.1).